The following is an entry in ClinVar:

ClinVar aggregate classification (germline): Uncertain significance (1 of 4 stars; one submission).

Submission:

GeneDx
Classification: Uncertain significance. Last evaluated: 2024-12-03. Review status: criteria provided, single submitter. Criteria: GeneDx Variant Classification Process June 2021. Collection method: clinical testing. Allele origin: germline. Affected: yes.
Comment: Not observed at significant frequency in large population cohorts (gnomAD); In-frame deletion of 3 amino acid(s) in a non-repeat region; In silico analysis supports a deleterious effect on protein structure/function; Has not been previously published as pathogenic or benign to our knowledge

NM_021072.4(HCN1):c.1950_1958del (p.Ser651_Thr653del)

Gene: HCN1 (hyperpolarization activated cyclic nucleotide gated potassium channel 1; minus strand). Cytogenetic location: 5p12.
Variant type: Deletion.
Coding change: c.1950_1958del on transcript NM_021072.4 (MANE Select); coding-DNA positions 1950 to 1958, 9 bases deleted (ATCGTCTAC; older notation c.1950_1958delATCGTCTAC).
Protein change: p.Ser651_Thr653del.
Genome position (GRCh38, 1-based): chr5:45,262,636-45,262,644, GTAGACGAT deleted on the plus strand (ATCGTCTAC on the coding strand, the reverse complement: HCN1 is on the minus strand); deleting any 9 consecutive bases within chr5:45,262,636-45,262,646 gives the same sequence; the c. name uses the placement nearest the transcript's 3' end. VCF-style (leftmost placement, unchanged base first): chr5-45262635-AGTAGACGAT-A. GRCh37 (hg19) VCF-style: chr5-45262737-AGTAGACGAT-A.
Identifiers: ClinVar variation 3901521 (VCV003901521.1).